The following is an entry in ClinVar:

NM_213595.4(ISCU):c.339G>A (p.Thr113=)

Gene: ISCU (iron-sulfur cluster assembly enzyme; plus strand). Cytogenetic location: 12q23.3.
Variant type: single nucleotide variant.
Coding change: c.339G>A on transcript NM_213595.4 (MANE Select); coding-DNA position 339, G replaced by A.
Protein change: p.Thr113=; no amino-acid change (threonine 113 retained).
Molecular consequence: synonymous variant. On other transcripts: non-coding transcript variant (1).
Genome position (GRCh38, 1-based): chr12:108,565,431, G>A. VCF-style: chr12-108565431-G-A. GRCh37 (hg19) VCF-style: chr12-108959207-G-A.
Other names: c.339G>A, p.Thr113= (NM_001301140.1, NM_001301141.1, NM_001320042.1); c.264G>A, p.Thr88= (NM_014301.4).
Identifiers: ClinVar variation 1400975 (VCV001400975.6), dbSNP rs747904634, ClinGen allele CA243322373.

ClinVar aggregate classification (germline): Uncertain significance (1 of 4 stars; one submission).

Allele frequency attached by ClinVar (database versions not stated): gnomAD 0.00001; TOPMed 0.00003.

Submission:

Labcorp Genetics (formerly Invitae), Labcorp
Classification: Uncertain significance. Last evaluated: 2024-04-02. Review status: criteria provided, single submitter. Criteria: Invitae Variant Classification Sherloc (09022015). Collection method: clinical testing. Allele origin: germline.
Comment: This sequence change affects codon 113 of the ISCU mRNA. It is a 'silent' change, meaning that it does not change the encoded amino acid sequence of the ISCU protein. This variant also falls at the last nucleotide of exon 3, which is part of the consensus splice site for this exon. This variant is present in population databases (rs747904634, gnomAD 0.003%). This variant has not been reported in the literature in individuals affected with ISCU-related conditions. ClinVar contains an entry for this variant (Variation ID: 1400975). Variants that disrupt the consensus splice site are a relatively common cause of aberrant splicing (PMID: 17576681, 9536098). Algorithms developed to predict the effect of sequence changes on RNA splicing suggest that this variant may disrupt the consensus splice site. In summary, the available evidence is currently insufficient to determine the role of this variant in disease. Therefore, it has been classified as a Variant of Uncertain Significance.

Literature cited by the submitters: PubMed 17576681; PubMed 9536098.